The following is an entry in ClinVar:

ClinVar aggregate classification (germline): Uncertain significance (1 of 4 stars; one submission).

Submission:

GeneDx
Classification: Uncertain significance. Last evaluated: 2023-08-08. Review status: criteria provided, single submitter. Criteria: GeneDx Variant Classification Process June 2021. Collection method: clinical testing. Allele origin: germline. Affected: yes.
Comment: Not observed at significant frequency in large population cohorts (gnomAD); Has not been previously published as pathogenic or benign to our knowledge; In silico analysis is inconclusive as to whether the variant alters gene splicing. In the absence of RNA/functional studies, the actual effect of this sequence change is unknown.

NM_001791.4(CDC42):c.105+5G>A

Gene: CDC42 (cell division cycle 42; plus strand). Cytogenetic location: 1p36.12.
Variant type: single nucleotide variant.
Coding change: c.105+5G>A on transcript NM_001791.4 (MANE Select); 5 bases into the intron after coding-DNA position 105, G replaced by A.
Molecular consequence: intron variant.
Genome position (GRCh38, 1-based): chr1:22,078,588, G>A. VCF-style: chr1-22078588-G-A. GRCh37 (hg19) VCF-style: chr1-22405081-G-A.
Other names: c.105+5G>A (NM_001039802.2, NM_044472.3).
Identifiers: ClinVar variation 3361713 (VCV003361713.1).
Genomic context (GRCh38, chr1:22,078,588, plus strand): 5'-CATGTCTCCTGATATCCTACACAACAAACAAATTTCCATCGGAATATGTACCGACTGTAA[G>A]TATAAAGGCTTCCTTCTGTTAGTAAAATGTTGTAAAATTTGATATCCTTTTGAAAACGCT-3'